The following is an entry in ClinVar:

NM_032444.4(SLX4):c.1175A>C (p.His392Pro)

Gene: SLX4 (SLX4 structure-specific endonuclease subunit; minus strand). Cytogenetic location: 16p13.3.
Variant type: single nucleotide variant.
Coding change: c.1175A>C on transcript NM_032444.4 (MANE Select); coding-DNA position 1175, A replaced by C.
Protein change: p.His392Pro; replaces histidine 392 with proline.
Molecular consequence: missense variant.
Genome position (GRCh38, 1-based): chr16:3,597,988, T>G on the plus strand (A>C on the coding strand, the complement: SLX4 is on the minus strand). VCF-style: chr16-3597988-T-G. GRCh37 (hg19) VCF-style: chr16-3647989-T-G.
Other names: short protein forms H392P.
Identifiers: ClinVar variation 1381271 (VCV001381271.6), dbSNP rs2151132152, ClinGen allele CA394529940.
Genomic context (GRCh38, chr16:3,597,988, plus strand): 5'-TTCCGCCTCTTCCGTGGCTCCTTCTTGCTGGTGGGTCCTCTCCGTTTCAGACCTCTACTG[T>G]GATCACTGAAGCTAGAAAACAGCCAAAGAGAAAAGTTACTGGGGCTAGAGGAGTGCACGC-3'
Protein context (NP_115820.2, residues 382-402): SSPPMFSFSD[His392Pro]SRGLKRRGPT

ClinVar aggregate classification (germline): Uncertain significance (1 of 4 stars; one submission).

Conditions:
Fanconi anemia (FA). Also called: Fanconi's anemia. Identifiers: Orphanet 84, MedGen C0015625, MeSH D005199, MONDO:0019391.

Submission:

Labcorp Genetics (formerly Invitae), Labcorp
Classification: Uncertain significance for Fanconi anemia. Last evaluated: 2024-11-18. Review status: criteria provided, single submitter. Criteria: Invitae Variant Classification Sherloc (09022015). Collection method: clinical testing. Allele origin: germline.
Comment: This sequence change replaces histidine, which is basic and polar, with proline, which is neutral and non-polar, at codon 392 of the SLX4 protein (p.His392Pro). This variant is not present in population databases (gnomAD no frequency). This variant has not been reported in the literature in individuals affected with SLX4-related conditions. ClinVar contains an entry for this variant (Variation ID: 1381271). An algorithm developed to predict the effect of missense changes on protein structure and function outputs the following: PolyPhen-2: "Benign". The proline amino acid residue is found in multiple mammalian species, which suggests that this missense change does not adversely affect protein function. In summary, the available evidence is currently insufficient to determine the role of this variant in disease. Therefore, it has been classified as a Variant of Uncertain Significance.